The following is an entry in ClinVar:

NM_000321.3(RB1):c.1216-7C>T

Gene: RB1 (RB transcriptional corepressor 1; plus strand). Cytogenetic location: 13q14.2.
Variant type: single nucleotide variant.
Coding change: c.1216-7C>T on transcript NM_000321.3 (MANE Select); 7 bases into the intron before coding-DNA position 1216, C replaced by T.
Molecular consequence: intron variant.
Genome position (GRCh38, 1-based): chr13:48,376,911, C>T. VCF-style: chr13-48376911-C-T. GRCh37 (hg19) VCF-style: chr13-48951047-C-T.
Identifiers: ClinVar variation 1587307 (VCV001587307.10), dbSNP rs563642809, ClinGen allele CA249280013.

ClinVar aggregate classification (germline): Likely benign. Review status: criteria provided, multiple submitters, no conflicts (2 of 4 stars). 3 submissions from 3 submitters: Likely benign (3). Last evaluated 2026-06-18.

Conditions:
Retinoblastoma (RB1). Also called: RETINOBLASTOMA, SOMATIC. Identifiers: Orphanet 790, MedGen C0035335, MeSH D012175, MONDO:0008380, OMIM 180200, HP:0009919. Disease mechanism: loss of function. Inheritance: Both sporadic and heritable forms are tested..

Allele frequency attached by ClinVar (database versions not stated): 1000 Genomes Project 0.00020; gnomAD 0.00001; gnomAD exomes 0.00001 and below 0.00001; 1000 Genomes Project 30x 0.00016.
gnomAD v4.1: 6 of 1,613,280 alleles (0.00037%); highest among the groups gnomAD compares: Admixed American, 0.01%; no homozygotes.

Submissions (3):

Myriad Genetics, Inc.
Classification: Likely benign for Retinoblastoma. Last evaluated: 2026-06-18. Review status: criteria provided, single submitter. Criteria: Myriad Autosomal Dominant, Autosomal Recessive and X-Linked Classification Criteria (2023). Collection method: clinical testing. Allele origin: unknown.
Comment: This variant is considered likely benign. This variant is intronic and is not expected to impact mRNA splicing.

Labcorp Genetics (formerly Invitae), Labcorp
Classification: Likely benign for Retinoblastoma. Last evaluated: 2025-10-01. Review status: criteria provided, single submitter. Criteria: Invitae Variant Classification Sherloc (09022015). Collection method: clinical testing. Allele origin: germline.

All of Us Research Program, National Institutes of Health
Classification: Likely benign for Retinoblastoma. Last evaluated: 2023-10-02. Review status: criteria provided, single submitter. Criteria: ACMG Guidelines, 2015. Collection method: clinical testing. Allele origin: germline. Inheritance: Autosomal dominant inheritance. Observed: 2 variant alleles, 2 heterozygotes.
Comment: This study involves interpretation of variants in research participants for the purpose of population health screening. Participant phenotype was not available at the time of variant classification. Additional details can be found in publication PMID: 35346344, PMCID: PMC8962531